The following is an entry in ClinVar:

NM_001148.6(ANK2):c.155A>G (p.Lys52Arg)

Gene: ANK2 (ankyrin 2; plus strand). Cytogenetic location: 4q25.
Variant type: single nucleotide variant.
Coding change: c.155A>G on transcript NM_001148.6 (MANE Select); coding-DNA position 155, A replaced by G.
Protein change: p.Lys52Arg; replaces lysine 52 with arginine.
Molecular consequence: missense variant.
Genome position (GRCh38, 1-based): chr4:113,174,486, A>G. VCF-style: chr4-113174486-A-G. GRCh37 (hg19) VCF-style: chr4-114095642-A-G.
Other names: c.155A>G, p.Lys52Arg (NM_001354246.2, NM_001354258.2, NM_001354265.2 and 9 more transcripts); c.92A>G, p.Lys31Arg (NM_001354249.2, NM_001354252.2, NM_001354253.2 and 33 more transcripts); c.137A>G, p.Lys46Arg (NM_001354261.2, NM_001386147.1, NM_001386160.1); c.143A>G, p.Lys48Arg (NM_001354269.3, NM_001386148.2, NM_001386186.2 and 1 more transcripts); c.200A>G, p.Lys67Arg (NM_001386144.1, NM_001386152.1, NM_001354230.2 and 5 more transcripts); c.206A>G, p.Lys69Arg (NM_001386174.1, NM_001386175.1); short protein forms K31R, K46R, K52R, K69R, K48R, K67R.
Identifiers: ClinVar variation 2981816 (VCV002981816.3), dbSNP rs2484407194, ClinGen allele CA357992990.
Genomic context (GRCh38, chr4:113,174,486, plus strand): 5'-ATGCAAGCTTCCTCCGTGCTGCCAGAGCAGGCAACCTGGACAAAGTTGTGGAATATCTGA[A>G]GGGGGGCATAGACATCAATACCTGCAATCAGGTAAGAACATGGCAGCTAGCTCTGTGTTG-3'
Protein context (NP_001139.3, residues 42-62): GNLDKVVEYL[Lys52Arg]GGIDINTCNQ

ClinVar aggregate classification (germline): Uncertain significance (1 of 4 stars; one submission).

Conditions:
Long QT syndrome (LQTS). Identifiers: MedGen C0023976, MeSH D008133, MONDO:0002442. Disease mechanism: loss of function. Inheritance: Various modes of inheritance.

Submission:

Labcorp Genetics (formerly Invitae), Labcorp
Classification: Uncertain significance for Long QT syndrome. Last evaluated: 2023-06-17. Review status: criteria provided, single submitter. Criteria: Invitae Variant Classification Sherloc (09022015). Collection method: clinical testing. Allele origin: germline.
Comment: Advanced modeling of protein sequence and biophysical properties (such as structural, functional, and spatial information, amino acid conservation, physicochemical variation, residue mobility, and thermodynamic stability) has been performed at Invitae for this missense variant, however the output from this modeling did not meet the statistical confidence thresholds required to predict the impact of this variant on ANK2 protein function. In summary, the available evidence is currently insufficient to determine the role of this variant in disease. Therefore, it has been classified as a Variant of Uncertain Significance. This variant has not been reported in the literature in individuals affected with ANK2-related conditions. This variant is not present in population databases (gnomAD no frequency). This sequence change replaces lysine, which is basic and polar, with arginine, which is basic and polar, at codon 52 of the ANK2 protein (p.Lys52Arg).